The following is an entry in ClinVar:

ClinVar aggregate classification (germline): Uncertain significance. Review status: criteria provided, multiple submitters, no conflicts (2 of 4 stars). 2 submissions from 2 submitters: Uncertain significance (2). Last evaluated 2025-08-22.

Conditions:
Brugada syndrome. Also called: Sudden Unexplained Death Syndrome; Sudden Unexplained Nocturnal Death Syndrome (SUNDS); Sudden unexpected nocturnal death syndrome; Sudden unexplained nocturnal death syndrome. Identifiers: Orphanet 130, MedGen C1142166, MONDO:0015263.

Allele frequency attached by ClinVar (database versions not stated): gnomAD 0.00013 and 0.00015; TOPMed 0.00016; ESP Exome Variant Server 0.00023; gnomAD exomes 0.00001 and 0.00003; ExAC 0.00003.
gnomAD v4.1: 41 of 1,599,442 alleles (0.0026%); highest among the groups gnomAD compares: African/African-American, 0.05%; no homozygotes.

Submissions (2):

Labcorp Genetics (formerly Invitae), Labcorp
Classification: Uncertain significance for Brugada syndrome. Last evaluated: 2025-08-22. Review status: criteria provided, single submitter. Criteria: Invitae Variant Classification Sherloc (09022015). Collection method: clinical testing. Allele origin: germline.
Comment: This sequence change replaces glutamic acid, which is acidic and polar, with lysine, which is basic and polar, at codon 355 of the SLMAP protein (p.Glu355Lys). This variant is present in population databases (rs149548827, gnomAD 0.04%), and has an allele count higher than expected for a pathogenic variant. This variant has not been reported in the literature in individuals affected with SLMAP-related conditions. ClinVar contains an entry for this variant (Variation ID: 240721). An algorithm developed to predict the effect of missense changes on protein structure and function (PolyPhen-2) suggests that this variant is likely to be tolerated. In summary, the available evidence is currently insufficient to determine the role of this variant in disease. Therefore, it has been classified as a Variant of Uncertain Significance.

Ambry Genetics
Classification: Uncertain significance. Last evaluated: 2024-12-04. Review status: criteria provided, single submitter. Criteria: Ambry Variant Classification Scheme 2023. Collection method: clinical testing. Allele origin: germline.

NM_001377540.1(SLMAP):c.1063G>A (p.Glu355Lys)

Gene: SLMAP (sarcolemma associated protein; plus strand). Cytogenetic location: 3p14.3.
Variant type: single nucleotide variant.
Coding change: c.1063G>A on transcript NM_001377540.1 (MANE Select); coding-DNA position 1063, G replaced by A.
Protein change: p.Glu355Lys; replaces glutamic acid 355 with lysine.
Molecular consequence: missense variant. On other transcripts: non-coding transcript variant (1).
Genome position (GRCh38, 1-based): chr3:57,864,644, G>A. VCF-style: chr3-57864644-G-A. GRCh37 (hg19) VCF-style: chr3-57850371-G-A.
Other names: c.1063G>A, p.Glu355Lys (NM_001304420.3, NM_001304421.2, NM_001377538.1 and 17 more transcripts); short protein forms E355K.
Identifiers: ClinVar variation 240721 (VCV000240721.9), dbSNP rs149548827, ClinGen allele CA2466995.